The following is an entry in ClinVar:

ClinVar aggregate classification (germline): Likely benign (1 of 4 stars; one submission).

gnomAD v4.1: 27 of 1,613,490 alleles (0.0017%); highest among the groups gnomAD compares: Non-Finnish European, 0.0021%; no homozygotes.

Submission:

CeGaT Center for Human Genetics Tuebingen
Classification: Likely benign. Last evaluated: 2024-11-01. Review status: criteria provided, single submitter. Criteria: CeGaT Center For Human Genetics Tuebingen Variant Classification Criteria Version 2. Collection method: clinical testing. Allele origin: germline. Affected: yes. Observed: 1 variant allele.
Comment: FLG: BP4, BP7

NM_002016.2(FLG):c.7245C>T (p.Leu2415=)

Genes: CCDST (cervical cancer associated DHX9 suppressive transcript; plus strand), FLG (filaggrin; minus strand). Cytogenetic location: 1q21.3.
Variant type: single nucleotide variant.
Coding change: c.7245C>T on transcript NM_002016.2 (MANE Select); coding-DNA position 7245, C replaced by T.
Protein change: p.Leu2415=; no amino-acid change (leucine 2415 retained).
Molecular consequence: synonymous variant.
Genome position (GRCh38, 1-based): chr1:152,307,641, G>A on the plus strand (C>T on the coding strand, the complement: FLG is on the minus strand). VCF-style: chr1-152307641-G-A. GRCh37 (hg19) VCF-style: chr1-152280117-G-A.
Identifiers: ClinVar variation 3388462 (VCV003388462.14).
Genomic context (GRCh38, chr1:152,307,641, plus strand): 5'-AGTGCTGGTCCCGGTCCGTCCATGGGCGGACTCAGACTGTTCATGAGTGCTCACCTGGTA[G>A]AGGAAAGACCCTGAACGTCCAGACCTTCCTGCTGACCGGCCACGTGTGGACTCTTGGTGG-3'
Protein context (NP_002007.1, residues 2405-2425): AGRSGRSGSF[Leu2415=]YQVSTHEQSE